The following is an entry in ClinVar:

NM_016188.5(ACTL6B):c.467+21C>G

Gene: ACTL6B (actin like 6B; minus strand). Cytogenetic location: 7q22.1.
Variant type: single nucleotide variant.
Coding change: c.467+21C>G on transcript NM_016188.5 (MANE Select); 21 bases into the intron after coding-DNA position 467, C replaced by G.
Molecular consequence: intron variant.
Genome position (GRCh38, 1-based): chr7:100,650,017, G>C on the plus strand (C>G on the coding strand, the complement: ACTL6B is on the minus strand). VCF-style: chr7-100650017-G-C. GRCh37 (hg19) VCF-style: chr7-100247640-G-C.
Identifiers: ClinVar variation 5018804 (VCV005018804.2).

ClinVar aggregate classification (germline): Uncertain significance (1 of 4 stars; one submission).

Conditions:
Developmental and epileptic encephalopathy, 76. Also called: EPILEPTIC ENCEPHALOPATHY, EARLY INFANTILE, 76; DEVELOPMENTAL DELAY, EPILEPTIC ENCEPHALOPATHY, CEREBRAL ATROPHY, AND ABNORMAL MYELINATION. Identifiers: MedGen C5193113, MONDO:0032768, OMIM 618468.
Intellectual developmental disorder with severe speech and ambulation defects. Identifiers: MedGen C5193115, MONDO:0032770, OMIM 618470.

gnomAD v4.1: 44 of 1,610,148 alleles (0.0027%); highest among the groups gnomAD compares: East Asian, 0.096%; no homozygotes.

Submission:

Juno Genomics, Hangzhou Juno Genomics, Inc
Classification: Uncertain significance for Developmental and epileptic encephalopathy, 76; Intellectual developmental disorder with severe speech and ambulation defects. Review status: criteria provided, single submitter. Criteria: ACMG Guidelines, 2015. Collection method: clinical testing. Allele origin: germline.
Comment: Absent from controls (or at extremely low frequency if recessive) in Genome Aggregation Database.;Multiple lines of computational evidence support a deleterious effect on the gene or gene product.